The following is an entry in ClinVar:

NM_001323289.2(CDKL5):c.1247_1248del (p.Glu416fs)

Gene: CDKL5 (cyclin dependent kinase like 5; plus strand). Cytogenetic location: Xp22.13.
Variant type: Microsatellite.
Coding change: c.1247_1248del on transcript NM_001323289.2 (MANE Select); coding-DNA positions 1247 to 1248, 2 bases deleted (AG; older notation c.1247_1248delAG).
Protein change: p.Glu416fs; shifts the reading frame from glutamic acid 416.
Molecular consequence: frameshift variant.
Genome position (GRCh38, 1-based): chrX:18,604,171-18,604,172, AG deleted; deleting any 2 consecutive bases within chrX:18,604,169-18,604,172 gives the same sequence; the c. name uses the placement nearest the transcript's 3' end. VCF-style (leftmost placement, unchanged base first): chrX-18604168-CAG-C. GRCh37 (hg19) VCF-style: chrX-18622288-CAG-C.
Other names: NM_001323289.2(CDKL5):c.1247_1248del; p.Glu416fs; c.1247_1248delAG (NM_003159.2); c.1247_1248del, p.Glu416fs (NM_001037343.2, NM_003159.3); short protein forms E416fs.
Identifiers: ClinVar variation 189554 (VCV000189554.20), dbSNP rs786204967, ClinGen allele CA235608.

ClinVar aggregate classification (germline): Pathogenic. Review status: reviewed by expert panel (3 of 4 stars). 8 submissions from 8 submitters: Pathogenic (1). 7 of the submissions do not count toward it. Last evaluated 2021-03-26.

Conditions:
Inborn genetic diseases. Identifiers: MedGen C0950123, MeSH D030342.
CDKL5 disorder. Identifiers: MedGen CN296942, MONDO:0100039.
Developmental and epileptic encephalopathy, 2 (DEE2). Also called: INFANTILE SPASM SYNDROME, X-LINKED 2; CDKL5 deficiency disorder. Identifiers: Orphanet 1934, Orphanet 3451, Orphanet 505652, MedGen C4750718, MONDO:0010396, OMIM 300672.
Angelman syndrome-like. Identifiers: MedGen CN128785.
Epileptic encephalopathy. Identifiers: MedGen C0543888, HP:0200134.

Submissions (8):

ClinGen Rett and Angelman-like Disorders Variant Curation Expert Panel
Classification: Pathogenic for CDKL5 disorder. Last evaluated: 2021-03-26. Review status: reviewed by expert panel. Criteria: ClinGen RettAS ACMG Specifications V1. Collection method: curation. Allele origin: germline. Inheritance: X-linked inheritance.
Comment: The p.Glu416Valfs variant in CDKL5 is predicted to cause a premature stop codon that leads to a truncated or absent protein in a gene in which loss-of-function is an established mechanism. There is significant evidence that loss of this region of the gene is pathogenic (PVS1). The p.Glu416Valfs variant has been observed in at least 5 individuals with CDKL5 disease (PMID: 27779742, 27864847, 23064044, ClinVar Variation ID 189554) (PS4). The p.XX variant in GENE has been reported in at least 2 de novo occurrences (biological parentage unconfirmed) in individuals with CDKL5 disorder (PMID XX) (PMID 27779742, 27864847) (PM6_strong). This variant is absent from gnomAD (PM2_supporting). In summary, this variant meets criteria to be classified as pathogenic for CDKL5-associated disorder based on the ACMG/AMP criteria applied (PVS1, PS4, PM6_strong, PM2_supporting).

GeneDx
Classification: Pathogenic. Last evaluated: 2026-01-18. Review status: criteria provided, single submitter. Criteria: GeneDx Variant Classification Process June 2021. Collection method: clinical testing. Allele origin: germline. Affected: yes. Not counted in ClinVar's aggregate classification.
Comment: Frameshift variant predicted to result in protein truncation or nonsense mediated decay in a gene for which loss of function is a known mechanism of disease; Not observed at significant frequency in large population cohorts (gnomAD); This variant is associated with the following publications: (PMID: 33057194, 27779742, 30945278, 34229227, 22872100, 27864847, 23064044, 31164858)

Labcorp Genetics (formerly Invitae), Labcorp
Classification: Pathogenic for Developmental and epileptic encephalopathy, 2; Angelman syndrome-like. Last evaluated: 2024-10-17. Review status: criteria provided, single submitter. Criteria: Invitae Variant Classification Sherloc (09022015). Collection method: clinical testing. Allele origin: germline. Not counted in ClinVar's aggregate classification.
Comment: This sequence change creates a premature translational stop signal (p.Glu416Valfs*2) in the CDKL5 gene. It is expected to result in an absent or disrupted protein product. Loss-of-function variants in CDKL5 are known to be pathogenic (PMID: 22872100). This variant is not present in population databases (gnomAD no frequency). This premature translational stop signal has been observed in individual(s) with clinical features of CDKL5-related conditions (PMID: 23064044, 27779742, 30945278, 31164858). In at least one individual the variant was observed to be de novo. This variant is also known as c.1245_1246delAG. ClinVar contains an entry for this variant (Variation ID: 189554). For these reasons, this variant has been classified as Pathogenic.

Centre for Population Genomics, CPG
Classification: Pathogenic for CDKL5 disorder. Last evaluated: 2024-09-18. Review status: criteria provided, single submitter. Criteria: McKnight et al. (Hum Mutat. 2022). Collection method: curation. Allele origin: germline. Inheritance: X-linked inheritance. Not counted in ClinVar's aggregate classification.
Comment: This variant has been collected from RettBASE and curated to current modified ACMG/AMP criteria. Based on the classification scheme defined by the ClinGen Rett/Angelman-like Expert Panel for Rett/AS-like Disorders Specifications to the ACMG/AMP Variant Interpretation Guidelines VCEP 3.0, this variant is classified as pathogenic. At least the following criteria are met: Predicted to result in loss of function, and LOF is a known mechanism of disease (PVS1). Has been observed in at least 5 individuals with phenotypes consistent with CDKL5 disorder (PS4). PMID: 22872100, PMID: 23064044,PMID: 27779742, PMID: 30945278, PMID: 31164858, Variation ID: 189554 This variant is absent from gnomAD v4 (PM2_Supporting).

Institute of Human Genetics, University of Leipzig Medical Center
Classification: Pathogenic for Developmental and epileptic encephalopathy, 2. Last evaluated: 2023-12-13. Review status: criteria provided, single submitter. Criteria: ACMG Guidelines, 2015. Collection method: clinical testing. Allele origin: unknown. Inheritance: Autosomal dominant inheritance. Affected: yes. Not counted in ClinVar's aggregate classification.
Comment: Criteria applied: PVS1,PM6_STR,PS4,PM2_SUP

Neurogenetics Laboratory - MEYER, AOU Meyer
Classification: Pathogenic for Epileptic encephalopathy. Last evaluated: 2016-11-16. Review status: criteria provided, single submitter. Criteria: ACMG Guidelines, 2015. Collection method: clinical testing. Allele origin: unknown. Affected: yes. Observed: 1 hemizygote. Not counted in ClinVar's aggregate classification.

Ambry Genetics
Classification: Pathogenic for Inborn genetic diseases. Last evaluated: 2015-06-09. Review status: criteria provided, single submitter. Criteria: Ambry exome assertion method (8-5-2015). Collection method: clinical testing. Allele origin: germline. Affected: yes. Observed: 1 variant allele. Not counted in ClinVar's aggregate classification.

RettBASE
Classification: Pathogenic. Last evaluated: 2014-03-13. Review status: no assertion criteria provided. Collection method: curation. Allele origin: unknown. Observed: 1 variant allele. Not counted in ClinVar's aggregate classification.

Literature cited by the submitters: PubMed 22872100 (cited by Labcorp Genetics (formerly Invitae), Labcorp); PubMed 23064044 (cited by Labcorp Genetics (formerly Invitae), Labcorp and RettBASE); PubMed 27779742 (cited by Labcorp Genetics (formerly Invitae), Labcorp); PubMed 30945278 (cited by Labcorp Genetics (formerly Invitae), Labcorp); PubMed 31164858 (cited by Labcorp Genetics (formerly Invitae), Labcorp).